The following is an entry in ClinVar:

ClinVar aggregate classification (germline): Likely benign. Review status: criteria provided, multiple submitters, no conflicts (2 of 4 stars). 15 submissions from 15 submitters: Likely benign (12). 3 of the submissions do not count toward it. Last evaluated 2026-01-19.

Conditions:
Cardiovascular phenotype. Identifiers: MedGen CN230736.
Cardiomyopathy (CMYO). Also called: Cardiomyopathies. Identifiers: Orphanet 167848, MedGen C0878544, MONDO:0004994, HP:0001638. Inheritance: Various modes of inheritance.
Catecholaminergic polymorphic ventricular tachycardia 1. Also called: VENTRICULAR TACHYCARDIA, CATECHOLAMINERGIC POLYMORPHIC, 1, WITH OR WITHOUT ATRIAL DYSFUNCTION AND/OR DILATED CARDIOMYOPATHY; VENTRICULAR TACHYCARDIA, STRESS-INDUCED POLYMORPHIC 1; RYR2-Related Catecholaminergic Polymorphic Ventricular Tachycardia. Identifiers: Orphanet 3286, MedGen C1631597, MONDO:0011484, OMIM 604772.
Catecholaminergic polymorphic ventricular tachycardia (CVPT). Also called: Catecholamine-induced polymorphic ventricular tachycardia. Identifiers: Orphanet 3286, MedGen C5574922, MONDO:0017990.

Allele frequency attached by ClinVar (database versions not stated): 1000 Genomes Project 0.00040; 1000 Genomes Project 30x 0.00062; ESP Exome Variant Server 0.00075; gnomAD 0.00101 and 0.00104; TOPMed 0.00120.
gnomAD v4.1: 310 of 1,598,204 alleles (0.019%); highest among the groups gnomAD compares: African/African-American, 0.34%; no homozygotes.

Submissions (15):

Labcorp Genetics (formerly Invitae), Labcorp
Classification: Likely benign for Catecholaminergic polymorphic ventricular tachycardia 1. Last evaluated: 2026-01-19. Review status: criteria provided, single submitter. Criteria: Invitae Variant Classification Sherloc (09022015). Collection method: clinical testing. Allele origin: germline.

Molecular Diagnostic Laboratory for Inherited Cardiovascular Disease, Montreal Heart Institute
Classification: Likely benign. Last evaluated: 2025-04-09. Review status: criteria provided, single submitter. Criteria: ACMG Guidelines, 2015. Collection method: clinical testing. Allele origin: germline. Affected: no.
Comment: PM1, PP2, BS1, BP4, BP6

Mayo Clinic Laboratories, Mayo Clinic
Classification: Likely benign. Last evaluated: 2024-10-22. Review status: criteria provided, single submitter. Criteria: ACMG Guidelines, 2015. Collection method: clinical testing. Allele origin: germline. Observed: 3 variant alleles.
Comment: BS1

All of Us Research Program, National Institutes of Health
Classification: Likely benign for Catecholaminergic polymorphic ventricular tachycardia. Last evaluated: 2024-09-27. Review status: criteria provided, single submitter. Criteria: ACMG Guidelines, 2015. Collection method: clinical testing. Allele origin: germline. Inheritance: Autosomal dominant inheritance. Observed: 106 variant alleles, 105 heterozygotes, 1 hemizygote.
Comment: This study involves interpretation of variants in research participants for the purpose of population health screening. Participant phenotype was not available at the time of variant classification. Additional details can be found in publication PMID: 35346344, PMCID: PMC8962531

Blueprint Genetics
Classification: Likely benign. Last evaluated: 2023-08-29. Review status: criteria provided, single submitter. Criteria: ACMG Guidelines, 2015. Collection method: clinical testing. Allele origin: germline.

GeneDx
Classification: Likely benign. Last evaluated: 2021-09-17. Review status: criteria provided, single submitter. Criteria: GeneDx Variant Classification Process June 2021. Collection method: clinical testing. Allele origin: germline. Affected: yes.

Ambry Genetics
Classification: Likely benign for Cardiovascular phenotype. Last evaluated: 2019-02-22. Review status: criteria provided, single submitter. Criteria: Ambry Variant Classification Scheme 2023. Collection method: clinical testing. Allele origin: germline.

Color Diagnostics, LLC DBA Color Health
Classification: Likely benign for Cardiomyopathy. Last evaluated: 2018-11-02. Review status: criteria provided, single submitter. Criteria: ACMG Guidelines, 2015. Collection method: clinical testing. Allele origin: germline.

Women's Health and Genetics/Laboratory Corporation of America, LabCorp
Classification: Likely benign. Last evaluated: 2016-04-07. Review status: criteria provided, single submitter. Criteria: LabCorp Variant Classification Summary - May 2015. Collection method: clinical testing. Allele origin: germline.
Comment: Variant summary: The c.1135G>A variant affects a conserved nucleotide and results in a replacement of a Valine (V) with a Methionine (M). Both residues are medium size and hydrophobic, therefore this Valine to Methionine substitution likely does not alter the physico-chemical properties of the RYR2 protein. 2/4 in silico tools predict the variant to be benign. It was observed in the large and broad cohorts of the ExAC project at an allele frequency of 0.026% which exceeds the maximal expected allele frequency of a disease causing RYR2 allele (0.01%). Additionally, in the African ExAC subcohort, the observed allele frequency is 0.28% which further supports a neutral impact. To our knowledge, the variant has not been reported in affected individuals via publications nor evaluated for functional impact by in vivo/vitro studies. Considering all evidence, the variant is classified as Likely Benign until more information becomes available.

Laboratory for Molecular Medicine, Mass General Brigham Personalized Medicine
Classification: Likely benign. Last evaluated: 2015-12-23. Review status: criteria provided, single submitter. Criteria: LMM Criteria. Collection method: clinical testing. Allele origin: germline. Observed: 2 variant alleles.
Comment: p.Val379Met in exon 13 of RYR2: This variant is not expected to have clinical si gnificance because it is not located within the splice consensus sequence. It h as been identified in 0.3% (27/9794) of African chromosomes by the Exome Aggrega tion Consortium (ExAC; dbSNP rs199693714).

Breakthrough Genomics
Classification: Likely benign. Review status: criteria provided, single submitter. Criteria: ACMG Guidelines, 2015. Collection method: not provided. Allele origin: germline. Inheritance: Autosomal dominant inheritance. Affected: yes.

PreventionGenetics, part of Exact Sciences
Classification: Likely benign. Review status: criteria provided, single submitter. Criteria: ACMG Guidelines, 2015. Collection method: clinical testing. Allele origin: germline.

Clinical Genetics DNA and cytogenetics Diagnostics Lab, Erasmus MC, Erasmus Medical Center
Classification: Likely benign. Review status: no assertion criteria provided. Collection method: clinical testing. Allele origin: germline. Affected: yes. Study: VKGL Data-share Consensus. Not counted in ClinVar's aggregate classification.

Diagnostic Laboratory, Department of Genetics, University Medical Center Groningen
Classification: Likely benign. Review status: no assertion criteria provided. Collection method: clinical testing. Allele origin: germline. Affected: yes. Study: VKGL Data-share Consensus. Not counted in ClinVar's aggregate classification.

Genome Diagnostics Laboratory, University Medical Center Utrecht
Classification: Likely benign. Review status: no assertion criteria provided. Collection method: clinical testing. Allele origin: germline. Affected: yes. Study: VKGL Data-share Consensus. Not counted in ClinVar's aggregate classification.

Literature cited by the submitters: PubMed 28404607 (cited by Ambry Genetics).

NM_001035.3(RYR2):c.1135G>A (p.Val379Met)

Gene: RYR2 (ryanodine receptor 2; plus strand). Cytogenetic location: 1q43.
Variant type: single nucleotide variant.
Coding change: c.1135G>A on transcript NM_001035.3 (MANE Select); coding-DNA position 1135, G replaced by A.
Protein change: p.Val379Met; replaces valine 379 with methionine.
Molecular consequence: missense variant.
Genome position (GRCh38, 1-based): chr1:237,441,448, G>A. VCF-style: chr1-237441448-G-A. GRCh37 (hg19) VCF-style: chr1-237604748-G-A.
Other names: p.V379M:GTG>ATG; short protein forms V379M.
Identifiers: ClinVar variation 43708 (VCV000043708.36), dbSNP rs199693714, ClinGen allele CA006977.
Genomic context (GRCh38, chr1:237,441,448, plus strand): 5'-TCAGTATGCTATATACAACATGTAGACACAGGCCTATGGCTTACTTACCAGTCTGTGGAC[G>A]TGAAATCCGTGAGAATGGGATCTATACAACGTAAGGTAAGGTGATAGAAAAAAACATAAT-3'
Protein context (NP_001026.2, residues 369-389): GLWLTYQSVD[Val379Met]KSVRMGSIQR